The following is an entry in ClinVar:

ClinVar aggregate classification (germline): Uncertain significance (1 of 4 stars; one submission).

Conditions:
Inborn genetic diseases. Identifiers: MedGen C0950123, MeSH D030342.

Allele frequency attached by ClinVar (database versions not stated): gnomAD 0.00001.
gnomAD v4.1: 3 of 1,613,726 alleles (0.00019%); highest among the groups gnomAD compares: Non-Finnish European, 0.00025%; no homozygotes.

Submission:

Ambry Genetics
Classification: Uncertain significance for Inborn genetic diseases. Last evaluated: 2020-11-09. Review status: criteria provided, single submitter. Criteria: Ambry Variant Classification Scheme 2023. Collection method: clinical testing. Allele origin: germline.
Comment: The c.2618C>T (p.S873L) alteration is located in exon 16 (coding exon 16) of the DHTKD1 gene. This alteration results from a C to T substitution at nucleotide position 2618, causing the serine (S) at amino acid position 873 to be replaced by a leucine (L). Based on data from the Genome Aggregation Database (gnomAD), the DHTKD1 c.2618C>T alteration was not observed, with coverage at this position. This amino acid position is poorly conserved in available vertebrate species. The p.S873L alteration is predicted to be tolerated by in silico analysis. Based on insufficient or conflicting evidence, the clinical significance of this alteration remains unclear.

NM_018706.7(DHTKD1):c.2618C>T (p.Ser873Leu)

Gene: DHTKD1 (dehydrogenase E1 and transketolase domain containing 1; plus strand). Cytogenetic location: 10p14.
Variant type: single nucleotide variant.
Coding change: c.2618C>T on transcript NM_018706.7 (MANE Select); coding-DNA position 2618, C replaced by T.
Protein change: p.Ser873Leu; replaces serine 873 with leucine.
Molecular consequence: missense variant.
Genome position (GRCh38, 1-based): chr10:12,120,227, C>T. VCF-style: chr10-12120227-C-T. GRCh37 (hg19) VCF-style: chr10-12162226-C-T.
Other names: short protein forms S873L.
Identifiers: ClinVar variation 2227961 (VCV002227961.2), dbSNP rs1474587641, ClinGen allele CA376017080.